The following is an entry in ClinVar:

NM_182961.4(SYNE1):c.6407A>G (p.Asn2136Ser)

Gene: SYNE1 (spectrin repeat containing nuclear envelope protein 1; minus strand). Cytogenetic location: 6q25.2.
Variant type: single nucleotide variant.
Coding change: c.6407A>G on transcript NM_182961.4 (MANE Select); coding-DNA position 6407, A replaced by G.
Protein change: p.Asn2136Ser; replaces asparagine 2136 with serine.
Molecular consequence: missense variant.
Genome position (GRCh38, 1-based): chr6:152,409,201, T>C on the plus strand (A>G on the coding strand, the complement: SYNE1 is on the minus strand). VCF-style: chr6-152409201-T-C. GRCh37 (hg19) VCF-style: chr6-152730336-T-C.
Other names: c.6428A>G, p.Asn2143Ser (NM_033071.5); short protein forms N2136S, N2143S.
Identifiers: ClinVar variation 1348181 (VCV001348181.8), dbSNP rs754275815, ClinGen allele CA4058074.
Genomic context (GRCh38, chr6:152,409,201, plus strand): 5'-AGCTCAGATAACAAGTGTTTTCCTTTGCTGGTAAAGTTATCCAAGTCTTTCTGTTTGTAA[T>C]TCATTTTGTTCTTGGCAGTTTCATGCTGTGGATAAATGATTTCTTAATTAATAAAATAGT-3'
Protein context (NP_892006.3, residues 2126-2146): SKHETAKNKM[Asn2136Ser]YKQKDLDNFT

ClinVar aggregate classification (germline): Uncertain significance (1 of 4 stars; one submission).

Conditions:
Autosomal recessive ataxia, Beauce type. Also called: SYNE1-Related Autosomal Recessive Cerebellar Ataxia; SYNE1 Deficiency; Spinocerebellar ataxia, autosomal recessive 8; ATAXIA, RECESSIVE, OF BEAUCE. Identifiers: Orphanet 88644, MedGen C1853116, MONDO:0012549, OMIM 610743.
Emery-Dreifuss muscular dystrophy 4, autosomal dominant (EDMD4). Also called: EMERY-DREIFUSS MUSCULAR DYSTROPHY 4 WITH VARIABLE FEATURES. Identifiers: Orphanet 261, MedGen C2751807, MONDO:0013071, OMIM 612998.

Allele frequency attached by ClinVar (database versions not stated): ExAC 0.00001; gnomAD exomes 0.00001.
gnomAD v4.1: 12 of 1,614,166 alleles (0.00074%); highest among the groups gnomAD compares: Middle Eastern, 0.016%; no homozygotes.

Submission:

Labcorp Genetics (formerly Invitae), Labcorp
Classification: Uncertain significance for Emery-Dreifuss muscular dystrophy 4, autosomal dominant; Autosomal recessive ataxia, Beauce type. Last evaluated: 2022-06-29. Review status: criteria provided, single submitter. Criteria: Invitae Variant Classification Sherloc (09022015). Collection method: clinical testing. Allele origin: germline.
Comment: In summary, the available evidence is currently insufficient to determine the role of this variant in disease. Therefore, it has been classified as a Variant of Uncertain Significance. Algorithms developed to predict the effect of missense changes on protein structure and function (SIFT, PolyPhen-2, Align-GVGD) all suggest that this variant is likely to be tolerated. This variant has not been reported in the literature in individuals affected with SYNE1-related conditions. This variant is present in population databases (rs754275815, gnomAD 0.002%). This sequence change replaces asparagine, which is neutral and polar, with serine, which is neutral and polar, at codon 2143 of the SYNE1 protein (p.Asn2143Ser).